The following is an entry in ClinVar:

NM_021971.4(GMPPB):c.183G>C (p.Glu61Asp)

Gene: GMPPB (GDP-mannose pyrophosphorylase B; minus strand). Cytogenetic location: 3p21.31.
Variant type: single nucleotide variant.
Coding change: c.183G>C on transcript NM_021971.4 (MANE Select); coding-DNA position 183, G replaced by C.
Protein change: p.Glu61Asp; replaces glutamic acid 61 with aspartic acid.
Molecular consequence: missense variant.
Genome position (GRCh38, 1-based): chr3:49,723,419, C>G on the plus strand (G>C on the coding strand, the complement: GMPPB is on the minus strand). VCF-style: chr3-49723419-C-G. GRCh37 (hg19) VCF-style: chr3-49760852-C-G.
Other names: c.183G>C, p.Glu61Asp (NM_013334.4); short protein forms E61D.
Identifiers: ClinVar variation 2200990 (VCV002200990.1), dbSNP rs1327487869, ClinGen allele CA352830711.

ClinVar aggregate classification (germline): Uncertain significance (1 of 4 stars; one submission).

Conditions:
Muscular dystrophy-dystroglycanopathy (congenital with brain and eye anomalies), type A14. Also called: WALKER-WARBURG SYNDROME OR MUSCLE-EYE-BRAIN DISEASE, GMPPB-RELATED; Muscular dystrophy-dystroglycanopathy (congenital with brain and eye anomalies), type a, 14; Congenital Muscular Dystrophy-Dystroglycanopathy with Brain and Eye Anomalies Type A 14; Congenital muscular dystrophy-dystroglycanopathy with brain and eye anomalies, type A14. Identifiers: Orphanet 588, MedGen C3809216, MONDO:0014140, OMIM 615350.
Muscular dystrophy-dystroglycanopathy (congenital with impaired intellectual development), type B, 14. Also called: Muscular dystrophy-dystroglycanopathy (congenital with intellectual disability), type B14; MUSCULAR DYSTROPHY, CONGENITAL, GMPPB-RELATED; Congenital muscular dystrophy-dystroglycanopathy with mental retardation, type B14. Identifiers: MedGen C3809221, MONDO:0014141, OMIM 615351.
Autosomal recessive limb-girdle muscular dystrophy type 2T. Also called: MUSCULAR DYSTROPHY-DYSTROGLYCANOPATHY, LIMB-GIRDLE, GMPPB-RELATED; MUSCULAR DYSTROPHY, LIMB-GIRDLE, TYPE 2T; Muscular dystrophy-dystroglycanopathy (limb-girdle), type c, 14; Limb-girdle muscular dystrophy-dystroglycanopathy, type C14. Identifiers: Orphanet 363623, MedGen C4518000, MONDO:0014142, OMIM 615352.

Submission:

Labcorp Genetics (formerly Invitae), Labcorp
Classification: Uncertain significance for Autosomal recessive limb-girdle muscular dystrophy type 2T; Muscular dystrophy-dystroglycanopathy (congenital with brain and eye anomalies), type A14; Muscular dystrophy-dystroglycanopathy (congenital with impaired intellectual development), type B, 14. Last evaluated: 2022-06-01. Review status: criteria provided, single submitter. Criteria: Invitae Variant Classification Sherloc (09022015). Collection method: clinical testing. Allele origin: germline.
Comment: This sequence change replaces glutamic acid, which is acidic and polar, with aspartic acid, which is acidic and polar, at codon 61 of the GMPPB protein (p.Glu61Asp). This variant is present in population databases (no rsID available, gnomAD 0.0009%). This variant has not been reported in the literature in individuals affected with GMPPB-related conditions. Advanced modeling of protein sequence and biophysical properties (such as structural, functional, and spatial information, amino acid conservation, physicochemical variation, residue mobility, and thermodynamic stability) performed at Invitae indicates that this missense variant is not expected to disrupt GMPPB protein function. In summary, the available evidence is currently insufficient to determine the role of this variant in disease. Therefore, it has been classified as a Variant of Uncertain Significance.